The following is an entry in ClinVar:

ClinVar aggregate classification (germline): Uncertain significance (1 of 4 stars; one submission).

Conditions:
Cardiovascular phenotype. Identifiers: MedGen CN230736.

Allele frequency attached by ClinVar (database versions not stated): gnomAD exomes below 0.00001.

Submission:

Ambry Genetics
Classification: Uncertain significance for Cardiovascular phenotype. Last evaluated: 2023-09-26. Review status: criteria provided, single submitter. Criteria: Ambry Variant Classification Scheme 2023. Collection method: clinical testing. Allele origin: germline.
Comment: The p.D192G variant (also known as c.575A>G), located in coding exon 1 of the FKRP gene, results from an A to G substitution at nucleotide position 575. The aspartic acid at codon 192 is replaced by glycine, an amino acid with similar properties. This amino acid position is not well conserved in available vertebrate species. In addition, the in silico prediction for this alteration is inconclusive. Since supporting evidence is limited at this time, the clinical significance of this alteration remains unclear.

NM_024301.5(FKRP):c.575A>G (p.Asp192Gly)

Gene: FKRP (fukutin related protein; plus strand). Cytogenetic location: 19q13.32.
Variant type: single nucleotide variant.
Coding change: c.575A>G on transcript NM_024301.5 (MANE Select); coding-DNA position 575, A replaced by G.
Protein change: p.Asp192Gly; replaces aspartic acid 192 with glycine.
Molecular consequence: missense variant.
Genome position (GRCh38, 1-based): chr19:46,756,025, A>G. VCF-style: chr19-46756025-A-G. GRCh37 (hg19) VCF-style: chr19-47259282-A-G.
Other names: c.575A>G, p.Asp192Gly (NM_001039885.3); short protein forms D192G.
Identifiers: ClinVar variation 3227830 (VCV003227830.1), dbSNP rs2513989604, ClinGen allele CA406495592.